The following is an entry in ClinVar:

ClinVar aggregate classification (germline): Likely pathogenic (1 of 4 stars; one submission).

Conditions:
Ullrich congenital muscular dystrophy 2 (UCMD2). Identifiers: Orphanet 75840, MedGen C4225314, MONDO:0014654, OMIM 616470.
Bethlem myopathy 2 (BTHLM2). Identifiers: Orphanet 536516, Orphanet 610, MedGen C4225313, MONDO:0034022, OMIM 616471.

Submission:

Labcorp Genetics (formerly Invitae), Labcorp
Classification: Likely pathogenic for Bethlem myopathy 2; Ullrich congenital muscular dystrophy 2. Last evaluated: 2018-01-30. Review status: criteria provided, single submitter. Criteria: Invitae Variant Classification Sherloc (09022015). Collection method: clinical testing. Allele origin: germline.
Comment: This sequence change affects an acceptor splice site in intron 5 of the COL12A1 gene. It is expected to disrupt RNA splicing and likely results in an absent or disrupted protein product. This variant is not present in population databases (ExAC no frequency). This variant has not been reported in the literature in individuals with COL12A1-related disease. Algorithms developed to predict the effect of sequence changes on RNA splicing suggest that this variant may disrupt the consensus splice site, but this prediction has not been confirmed by published transcriptional studies. Donor and acceptor splice site variants typically lead to a loss of protein function (PMID: 16199547), and loss-of-function variants in COL12A1 are known to be pathogenic (PMID: 24334604, 24334769, 27159402, 27348394, 224334604). In summary, the currently available evidence indicates that the variant is pathogenic, but additional data are needed to prove that conclusively. Therefore, this variant has been classified as Likely Pathogenic.

Literature cited by the submitters: PubMed 24334769; PubMed 27348394; PubMed 24334604; PubMed 224334604; PubMed 27159402.

NM_004370.6(COL12A1):c.395-2A>C

Gene: COL12A1 (collagen type XII alpha 1 chain; minus strand). Cytogenetic location: 6q13.
Variant type: single nucleotide variant.
Coding change: c.395-2A>C on transcript NM_004370.6 (MANE Select); the canonical splice acceptor site of the intron before coding-DNA position 395, A replaced by C.
Molecular consequence: splice acceptor variant. On other transcripts: intron variant (1).
Genome position (GRCh38, 1-based): chr6:75,189,817, T>G on the plus strand (A>C on the coding strand, the complement: COL12A1 is on the minus strand). VCF-style: chr6-75189817-T-G. GRCh37 (hg19) VCF-style: chr6-75899533-T-G.
Other names: c.73+12903A>C (NM_080645.3).
Identifiers: ClinVar variation 579878 (VCV000579878.1), dbSNP rs1562310723, ClinGen allele CA364729833.
Genomic context (GRCh38, chr6:75,189,817, plus strand): 5'-CACACTCCAAGAGCCATCCACGAGGAAAACCAAATCAGTCCAGGCACTGACAGAGCATTC[T>G]GAAATACATTTGATATCTTTTTAAATGATGCTTTATTAAATCAACTCATCAATACATGTT-3'